The following is an entry in ClinVar:

ClinVar aggregate classification (germline): Likely benign (0 of 4 stars; one submission).

Conditions:
GNAS-related disorder. Identifiers: MedGen CN380105.

Allele frequency attached by ClinVar (database versions not stated): gnomAD exomes below 0.00001.
gnomAD v4.1: 2 of 1,613,484 alleles (0.00012%); highest among the groups gnomAD compares: South Asian, 0.0022%; no homozygotes.

Submission:

PreventionGenetics, part of Exact Sciences
Classification: Likely benign for GNAS-related condition. Last evaluated: 2022-02-10. Review status: no assertion criteria provided. Collection method: clinical testing. Allele origin: germline.
Comment: This variant is classified as likely benign based on ACMG/AMP sequence variant interpretation guidelines (Richards et al. 2015 PMID: 25741868, with internal and published modifications).

NM_016592.5(GNAS):c.303A>G (p.Leu101=)

Genes: GNAS (GNAS complex locus; plus strand), GNAS-AS1 (GNAS antisense RNA 1; minus strand). Cytogenetic location: 20q13.32.
Variant type: single nucleotide variant.
Coding change: c.303A>G on transcript NM_016592.5 (MANE Plus Clinical); coding-DNA position 303, A replaced by G.
Protein change: p.Leu101=; no amino-acid change (leucine 101 retained).
Molecular consequence: synonymous variant. On other transcripts: 5 prime UTR variant (1).
Genome position (GRCh38, 1-based): chr20:58,840,409, A>G. VCF-style: chr20-58840409-A-G. GRCh37 (hg19) VCF-style: chr20-57415464-A-G.
Other names: c.-435A>G (NM_001410912.1).
Identifiers: ClinVar variation 3029235 (VCV003029235.2), dbSNP rs1473205048, ClinGen allele CA511315829.